The following is an entry in ClinVar:

NM_000784.4(CYP27A1):c.1381C>T (p.Gln461Ter)

Gene: CYP27A1 (cytochrome P450 family 27 subfamily A member 1; plus strand). Cytogenetic location: 2q35.
Variant type: single nucleotide variant.
Coding change: c.1381C>T on transcript NM_000784.4 (MANE Select); coding-DNA position 1381, C replaced by T.
Protein change: p.Gln461Ter; replaces glutamine 461 with a stop codon.
Molecular consequence: nonsense.
Genome position (GRCh38, 1-based): chr2:218,814,662, C>T. VCF-style: chr2-218814662-C-T. GRCh37 (hg19) VCF-style: chr2-219679385-C-T.
Other names: short protein forms Q461*.
Identifiers: ClinVar variation 597631 (VCV000597631.14), dbSNP rs771819245, ClinGen allele CA2112885.

ClinVar aggregate classification (germline): Pathogenic. Review status: criteria provided, multiple submitters, no conflicts (2 of 4 stars). 4 submissions from 4 submitters: Pathogenic (4). Last evaluated 2023-12-22.

Conditions:
Cholestanol storage disease (CTX). Also called: Cerebrotendinous Xanthomatosis; CTX: Cerebrotendinous xanthomatosis; CEREBRAL CHOLESTERINOSIS. Identifiers: Orphanet 909, MedGen C0238052, MONDO:0008948, OMIM 213700.

Allele frequency attached by ClinVar (database versions not stated): gnomAD exomes below 0.00001; ExAC 0.00001.
gnomAD v4.1: 2 of 1,614,248 alleles (0.00012%); highest among the groups gnomAD compares: Non-Finnish European, 0.00017%; no homozygotes.

Submissions (4):

Baylor Genetics
Classification: Pathogenic for Cholestanol storage disease. Last evaluated: 2023-12-22. Review status: criteria provided, single submitter. Criteria: ACMG Guidelines, 2015. Collection method: clinical testing. Allele origin: unknown.

Institute of Human Genetics, University of Leipzig Medical Center
Classification: Pathogenic for Cholestanol storage disease. Last evaluated: 2022-11-22. Review status: criteria provided, single submitter. Criteria: ACMG Guidelines, 2015. Collection method: clinical testing. Allele origin: unknown. Affected: yes.
Comment: _x000D_This variant was identified as compound heterozygous with NM_000784.4:c.1297dup Criteria applied: PVS1, PM3_STR, PM2_SUP

Labcorp Genetics (formerly Invitae), Labcorp
Classification: Pathogenic for Cholestanol storage disease. Last evaluated: 2021-11-27. Review status: criteria provided, single submitter. Criteria: Invitae Variant Classification Sherloc (09022015). Collection method: clinical testing. Allele origin: germline.
Comment: For these reasons, this variant has been classified as Pathogenic. ClinVar contains an entry for this variant (Variation ID: 597631). This variant is also known as p.Gln428*. This premature translational stop signal has been observed in individuals with Cerebrotendinous xanthomatosis (PMID: 11181744, 20925952). This sequence change creates a premature translational stop signal (p.Gln461*) in the CYP27A1 gene. It is expected to result in an absent or disrupted protein product. Loss-of-function variants in CYP27A1 are known to be pathogenic (PMID: 9392430, 10775536, 26937392). This variant is present in population databases (rs771819245, gnomAD 0.0009%).

Eurofins Ntd Llc (ga)
Classification: Pathogenic. Last evaluated: 2018-06-20. Review status: criteria provided, single submitter. Criteria: EGL ClinVar v180209 classification definitions. Collection method: clinical testing. Allele origin: germline. Observed: 1 variant allele, 1 heterozygote.

Literature cited by the submitters: PubMed 11181744 (cited by Labcorp Genetics (formerly Invitae), Labcorp and Eurofins Ntd Llc (ga)); PubMed 20925952 (cited by Labcorp Genetics (formerly Invitae), Labcorp and Eurofins Ntd Llc (ga)); PubMed 9392430 (cited by Labcorp Genetics (formerly Invitae), Labcorp); PubMed 10775536 (cited by Labcorp Genetics (formerly Invitae), Labcorp); PubMed 26937392 (cited by Labcorp Genetics (formerly Invitae), Labcorp).